The following is an entry in ClinVar:

NM_005876.5(SPEG):c.6123_6136dup (p.Pro2046fs)

Genes: ASIC4-AS1 (ASIC4 antisense RNA 1; minus strand), SPEG (striated muscle enriched protein kinase; plus strand). Cytogenetic location: 2q35.
Variant type: Duplication.
Coding change: c.6123_6136dup on transcript NM_005876.5 (MANE Select); coding-DNA positions 6123 to 6136, 14 bases duplicated (GCAGCGCCGGAGCC).
Protein change: p.Pro2046fs; shifts the reading frame from proline 2046.
Molecular consequence: frameshift variant.
Genome position (GRCh38, 1-based): chr2:219,483,586-219,483,599, GCAGCGCCGGAGCC duplicated; duplicating any 14 consecutive bases within chr2:219,483,583-219,483,599 gives the same sequence; the c. name uses the placement nearest the transcript's 3' end. VCF-style (leftmost placement, unchanged base first): chr2-219483582-T-TGCCGCAGCGCCGGA. GRCh37 (hg19) VCF-style: chr2-220348304-T-TGCCGCAGCGCCGGA.
Other names: short protein forms P2046fs.
Identifiers: ClinVar variation 3345185 (VCV003345185.3).

ClinVar aggregate classification (germline): Pathogenic. Review status: criteria provided, single submitter (1 of 4 stars). 2 submissions from 2 submitters: Pathogenic (1). 1 of the submissions does not count toward it. Last evaluated 2024-04-25.

Conditions:
SPEG-related disorder. Also called: SPEG-related condition.

Submissions (2):

Labcorp Genetics (formerly Invitae), Labcorp
Classification: Pathogenic. Last evaluated: 2024-04-25. Review status: criteria provided, single submitter. Criteria: Invitae Variant Classification Sherloc (09022015). Collection method: clinical testing. Allele origin: germline.
Comment: This sequence change creates a premature translational stop signal (p.Pro2046Argfs*198) in the SPEG gene. It is expected to result in an absent or disrupted protein product. Loss-of-function variants in SPEG are known to be pathogenic (PMID: 19118250, 25087613). This variant is not present in population databases (gnomAD no frequency). This variant has not been reported in the literature in individuals affected with SPEG-related conditions. For these reasons, this variant has been classified as Pathogenic.

PreventionGenetics, part of Exact Sciences
Classification: Likely pathogenic for SPEG-related condition. Last evaluated: 2024-07-06. Review status: no assertion criteria provided. Collection method: clinical testing. Allele origin: germline. Not counted in ClinVar's aggregate classification.
Comment: The SPEG c.6123_6136dup14 variant is predicted to result in a frameshift and premature protein termination (p.Pro2046Argfs*198). To our knowledge, this variant has not been reported in the literature or in a large population database, indicating this variant is rare. Frameshift variants in SPEG are expected to be pathogenic. This variant is interpreted as likely pathogenic.

Literature cited by the submitters: PubMed 19118250 (cited by Labcorp Genetics (formerly Invitae), Labcorp); PubMed 25087613 (cited by Labcorp Genetics (formerly Invitae), Labcorp).